The following is an entry in ClinVar:

NM_172107.4(KCNQ2):c.2118C>T (p.Ala706=)

Gene: KCNQ2 (potassium voltage-gated channel subfamily Q member 2; minus strand). Cytogenetic location: 20q13.33.
Variant type: single nucleotide variant.
Coding change: c.2118C>T on transcript NM_172107.4 (MANE Select); coding-DNA position 2118, C replaced by T.
Protein change: p.Ala706=; no amino-acid change (alanine 706 retained).
Molecular consequence: synonymous variant.
Genome position (GRCh38, 1-based): chr20:63,407,145, G>A on the plus strand (C>T on the coding strand, the complement: KCNQ2 is on the minus strand). VCF-style: chr20-63407145-G-A. GRCh37 (hg19) VCF-style: chr20-62038498-G-A.
Other names: c.2034C>T, p.Ala678= (NM_004518.6); c.2064C>T, p.Ala688= (NM_172106.3); c.2025C>T, p.Ala675= (NM_172108.5).
Identifiers: ClinVar variation 413249 (VCV000413249.37), dbSNP rs777993694, ClinGen allele CA9958145.
Genomic context (GRCh38, chr20:63,407,145, plus strand): 5'-CTGGCGCGGGTGGCTCTGTGGCTGCCAGGAGGTGGAGGGCGGACACTGGACAGGGGGCGC[G>A]GCCGGGGGCGCCGAGAAGTTCTTCTGGCCCGTGGAGCTGCTGGAGCGCACGATCTTGACA-3'
Protein context (NP_742105.1, residues 696-716): TGQKNFSAPP[Ala706=]APPVQCPPST

ClinVar aggregate classification (germline): Likely benign. Review status: criteria provided, multiple submitters, no conflicts (2 of 4 stars). 4 submissions from 4 submitters: Likely benign (4). Last evaluated 2024-11-25.

Conditions:
Early-infantile DEE. Also called: Early infantile epileptic encephalopathy with suppression bursts; Early infantile epileptic encephalopathy; Ohtahara syndrome. Identifiers: Orphanet 1934, MedGen C0393706, MONDO:0800491.

Allele frequency attached by ClinVar (database versions not stated): gnomAD 0.00001; gnomAD exomes 0.00002; TOPMed 0.00002; ExAC 0.00008.
gnomAD v4.1: 35 of 1,577,462 alleles (0.0022%); highest among the groups gnomAD compares: African/African-American, 0.0027%; no homozygotes.

Submissions (4):

Labcorp Genetics (formerly Invitae), Labcorp
Classification: Likely benign for Early-infantile DEE. Last evaluated: 2024-11-25. Review status: criteria provided, single submitter. Criteria: Invitae Variant Classification Sherloc (09022015). Collection method: clinical testing. Allele origin: germline.

Blueprint Genetics
Classification: Likely benign. Last evaluated: 2024-03-28. Review status: criteria provided, single submitter. Criteria: ACMG Guidelines, 2015. Collection method: clinical testing. Allele origin: germline.

CeGaT Center for Human Genetics Tuebingen
Classification: Likely benign. Last evaluated: 2022-07-01. Review status: criteria provided, single submitter. Criteria: CeGaT Center For Human Genetics Tuebingen Variant Classification Criteria Version 2. Collection method: clinical testing. Allele origin: germline. Affected: yes. Observed: 1 variant allele.
Comment: KCNQ2: BP4, BP7

GeneDx
Classification: Likely benign. Last evaluated: 2020-02-05. Review status: criteria provided, single submitter. Criteria: GeneDx Variant Classification Process June 2021. Collection method: clinical testing. Allele origin: germline. Affected: yes.